The following is an entry in ClinVar:

ClinVar aggregate classification (germline): Benign/Likely benign. Review status: criteria provided, multiple submitters, no conflicts (2 of 4 stars). 7 submissions from 7 submitters: Benign (1); Likely benign (6). Last evaluated 2026-07-27.

Conditions:
ELANE-related disorder. Also called: ELANE-related condition.
Neutropenia, severe congenital, 1, autosomal dominant. Identifiers: MedGen C1859966, MONDO:0042490, OMIM 202700.
Cyclical neutropenia. Also called: Cyclic Neutropenia; Cyclic hematopoiesis. Identifiers: Orphanet 2686, MedGen C0221023, MONDO:0008090, OMIM 162800, HP:0040289. Disease mechanism: loss of function.
Inborn genetic diseases. Identifiers: MedGen C0950123, MeSH D030342.

Allele frequency attached by ClinVar (database versions not stated): gnomAD 0.00003 and 0.00005; ESP Exome Variant Server 0.00008; gnomAD exomes 0.00008 and 0.00013; ExAC 0.00011; 1000 Genomes Project 30x 0.00016; 1000 Genomes Project 0.00020.
gnomAD v4.1: 124 of 1,613,412 alleles (0.0077%); highest among the groups gnomAD compares: Middle Eastern, 0.082%; 1 homozygote.

Submissions (7):

PreventionGenetics, part of Exact Sciences
Classification: Likely benign for ELANE-related condition. Last evaluated: 2026-07-27. Review status: criteria provided, single submitter. Criteria: ACMG Guidelines, 2015. Collection method: clinical testing. Allele origin: germline.
Comment: This variant is classified as likely benign based on ACMG/AMP sequence variant interpretation guidelines (Richards et al. 2015 PMID: 25741868, with internal and published modifications).

Women's Health and Genetics/Laboratory Corporation of America, LabCorp
Classification: Benign. Last evaluated: 2026-04-24. Review status: criteria provided, single submitter. Criteria: LabCorp Variant Classification Summary - May 2015. Collection method: clinical testing. Allele origin: germline.

Labcorp Genetics (formerly Invitae), Labcorp
Classification: Likely benign for Neutropenia, severe congenital, 1, autosomal dominant; Cyclical neutropenia. Last evaluated: 2025-11-22. Review status: criteria provided, single submitter. Criteria: Invitae Variant Classification Sherloc (09022015). Collection method: clinical testing. Allele origin: germline.

Ambry Genetics
Classification: Likely benign for Inborn genetic diseases. Last evaluated: 2024-11-17. Review status: criteria provided, single submitter. Criteria: Ambry Variant Classification Scheme 2023. Collection method: clinical testing. Allele origin: germline.

Blueprint Genetics
Classification: Likely benign. Last evaluated: 2024-10-18. Review status: criteria provided, single submitter. Criteria: ACMG Guidelines, 2015. Collection method: clinical testing. Allele origin: germline.

GeneDx
Classification: Likely benign. Last evaluated: 2019-06-11. Review status: criteria provided, single submitter. Criteria: GeneDx Variant Classification Process June 2021. Collection method: clinical testing. Allele origin: germline. Affected: yes.
Comment: This variant is associated with the following publications: (PMID: 23463630)

Genetic Services Laboratory, University of Chicago
Classification: Likely benign. Last evaluated: 2017-04-06. Review status: criteria provided, single submitter. Criteria: ACMG Guidelines, 2015. Collection method: clinical testing. Allele origin: germline. Affected: no.

NM_001972.4(ELANE):c.627C>T (p.Asn209=)

Gene: ELANE (elastase, neutrophil expressed; plus strand). Cytogenetic location: 19p13.3.
Variant type: single nucleotide variant.
Coding change: c.627C>T on transcript NM_001972.4 (MANE Select); coding-DNA position 627, C replaced by T.
Protein change: p.Asn209=; no amino-acid change (asparagine 209 retained).
Molecular consequence: synonymous variant.
Genome position (GRCh38, 1-based): chr19:855,987, C>T. VCF-style: chr19-855987-C-T. GRCh37 (hg19) VCF-style: chr19-855987-C-T.
Other names: c.627C>T (LRG_57t1, NM_001972.3).
Identifiers: ClinVar variation 435053 (VCV000435053.22), dbSNP rs201664319, ClinGen allele CA9026122.